The following is an entry in ClinVar:

NM_006949.4(STXBP2):c.247-1G>T

Gene: STXBP2 (syntaxin binding protein 2; plus strand). Cytogenetic location: 19p13.2.
Variant type: single nucleotide variant.
Coding change: c.247-1G>T on transcript NM_006949.4 (MANE Select); the canonical splice acceptor site of the intron before coding-DNA position 247, G replaced by T.
Molecular consequence: splice acceptor variant. On other transcripts: missense variant (1), intron variant (1).
Genome position (GRCh38, 1-based): chr19:7,640,730, G>T. VCF-style: chr19-7640730-G-T. GRCh37 (hg19) VCF-style: chr19-7705616-G-T.
Other names: c.279G>T, p.Gln93His (NM_001272034.2); c.151-1G>T (NM_001414484.1); c.247-10G>T (NM_001127396.3); short protein forms Q93H.
Identifiers: ClinVar variation 2071023 (VCV002071023.4), dbSNP rs2512691552, ClinGen allele CA403157385.
Genomic context (GRCh38, chr19:7,640,730, plus strand): 5'-TAGGCAGCCAATGAGCCTAGGTGTGCAGGCTCAGGCCCAGAGAGTGATCCACCTTCCCCA[G>T]TCGGTTCAGGCCCTGATCAAAGACTTCCAGGGGACCCCGACTTTCACCTACAAAGCGGCC-3'

ClinVar aggregate classification (germline): Likely pathogenic (1 of 4 stars; one submission).

Conditions:
Familial hemophagocytic lymphohistiocytosis 5. Also called: STXBP2-Related Familial Hemophagocytic Lymphohistiocytosis (STXBP2-fHLH). Identifiers: Orphanet 540, MedGen C2751293, MONDO:0013135, OMIM 613101.

Allele frequency attached by ClinVar (database versions not stated): gnomAD exomes below 0.00001.
gnomAD v4.1: 4 of 1,614,192 alleles (0.00025%); highest among the groups gnomAD compares: Non-Finnish European, 0.00034%; no homozygotes.

Submission:

Labcorp Genetics (formerly Invitae), Labcorp
Classification: Likely pathogenic for Familial hemophagocytic lymphohistiocytosis 5. Last evaluated: 2022-07-26. Review status: criteria provided, single submitter. Criteria: Invitae Variant Classification Sherloc (09022015). Collection method: clinical testing. Allele origin: germline.
Comment: In summary, the currently available evidence indicates that the variant is pathogenic, but additional data are needed to prove that conclusively. Therefore, this variant has been classified as Likely Pathogenic. Algorithms developed to predict the effect of sequence changes on RNA splicing suggest that this variant may disrupt the consensus splice site. Disruption of this splice site has been observed in individual(s) with hemophagocytic lymphohistiocytosis (Invitae). This variant is not present in population databases (gnomAD no frequency). This sequence change affects an acceptor splice site in intron 4 of the STXBP2 gene. It is expected to disrupt RNA splicing. Variants that disrupt the donor or acceptor splice site typically lead to a loss of protein function (PMID: 16199547), and loss-of-function variants in STXBP2 are known to be pathogenic (PMID: 19804848, 22451424).

Literature cited by the submitters: PubMed 16199547; PubMed 19804848; PubMed 22451424.